The following is an entry in ClinVar:

ClinVar aggregate classification (germline): Conflicting classifications of pathogenicity. Review status: criteria provided, conflicting classifications (1 of 4 stars). 4 submissions from 4 submitters: Uncertain significance (1); Likely benign (3). Last evaluated 2025-10-16.

Conditions:
Niemann-Pick disease, type C1. Also called: NEUROVISCERAL STORAGE DISEASE WITH VERTICAL SUPRANUCLEAR OPHTHALMOPLEGIA; NIEMANN-PICK DISEASE WITH CHOLESTEROL ESTERIFICATION BLOCK; NIEMANN-PICK DISEASE WITHOUT SPHINGOMYELINASE DEFICIENCY; NIEMANN-PICK DISEASE, CHRONIC NEURONOPATHIC FORM; NIEMANN-PICK DISEASE, VARIANT TYPE C1. Identifiers: Orphanet 646, MedGen C3179455, MONDO:0009757, OMIM 257220.

Allele frequency attached by ClinVar (database versions not stated): TOPMed 0.00002.
gnomAD v4.1: 48 of 1,613,812 alleles (0.003%); highest among the groups gnomAD compares: South Asian, 0.0077%; no homozygotes.

Submissions (4):

Labcorp Genetics (formerly Invitae), Labcorp
Classification: Likely benign for Niemann-Pick disease, type C1. Last evaluated: 2025-10-16. Review status: criteria provided, single submitter. Criteria: Invitae Variant Classification Sherloc (09022015). Collection method: clinical testing. Allele origin: germline.

CeGaT Center for Human Genetics Tuebingen
Classification: Likely benign. Last evaluated: 2023-04-01. Review status: criteria provided, single submitter. Criteria: CeGaT Center For Human Genetics Tuebingen Variant Classification Criteria Version 2. Collection method: clinical testing. Allele origin: germline. Affected: yes. Observed: 1 variant allele.
Comment: NPC1: BP4, BP7

Blueprint Genetics
Classification: Likely benign. Last evaluated: 2022-07-25. Review status: criteria provided, single submitter. Criteria: ACMG Guidelines, 2015. Collection method: clinical testing. Allele origin: germline.

Eurofins Ntd Llc (ga)
Classification: Uncertain significance. Last evaluated: 2018-03-22. Review status: criteria provided, single submitter. Criteria: EGL ClinVar v180209 classification definitions. Collection method: clinical testing. Allele origin: germline. Observed: 1 variant allele, 1 heterozygote.

NM_000271.5(NPC1):c.1521C>T (p.Ala507=)

Gene: NPC1 (NPC intracellular cholesterol transporter 1; minus strand). Cytogenetic location: 18q11.2.
Variant type: single nucleotide variant.
Coding change: c.1521C>T on transcript NM_000271.5 (MANE Select); coding-DNA position 1521, C replaced by T.
Protein change: p.Ala507=; no amino-acid change (alanine 507 retained).
Molecular consequence: synonymous variant.
Genome position (GRCh38, 1-based): chr18:23,554,790, G>A on the plus strand (C>T on the coding strand, the complement: NPC1 is on the minus strand). VCF-style: chr18-23554790-G-A. GRCh37 (hg19) VCF-style: chr18-21134754-G-A.
Identifiers: ClinVar variation 596604 (VCV000596604.38), dbSNP rs780100866, ClinGen allele CA8913455.